The following is an entry in ClinVar:

ClinVar aggregate classification (germline): Pathogenic. Review status: criteria provided, single submitter (1 of 4 stars). 2 submissions from 2 submitters: Pathogenic (1). 1 of the submissions does not count toward it. Last evaluated 2022-12-15.

Conditions:
RYR1-related disorder. Also called: RYR1-related condition; RYR1-related disorders. Identifiers: MedGen CN239331.

Submissions (2):

Labcorp Genetics (formerly Invitae), Labcorp
Classification: Pathogenic for RYR1-related disorder. Last evaluated: 2022-12-15. Review status: criteria provided, single submitter. Criteria: Invitae Variant Classification Sherloc (09022015). Collection method: clinical testing. Allele origin: germline.
Comment: For these reasons, this variant has been classified as Pathogenic. Algorithms developed to predict the effect of sequence changes on RNA splicing suggest that this variant may disrupt the consensus splice site. ClinVar contains an entry for this variant (Variation ID: 133200). Disruption of this splice site has been observed in individual(s) with autosomal recessive RYR1-related conditions (PMID: 18253926). In at least one individual the data is consistent with being in trans (on the opposite chromosome) from a pathogenic variant. It has also been observed to segregate with disease in related individuals. This variant is not present in population databases (gnomAD no frequency). This sequence change affects an acceptor splice site in intron 45 of the RYR1 gene. It is expected to disrupt RNA splicing. Variants that disrupt the donor or acceptor splice site typically lead to a loss of protein function (PMID: 16199547), and loss-of-function variants in RYR1 are known to be pathogenic (PMID: 20583297, 20839240, 23919265, 28818389).

RYR1 database
No classification provided. Review status: no classification provided. Collection method: not provided. Allele origin: unknown. Not counted in ClinVar's aggregate classification.

Literature cited by the submitters: PubMed 18253926 (cited by Labcorp Genetics (formerly Invitae), Labcorp); PubMed 16199547 (cited by Labcorp Genetics (formerly Invitae), Labcorp); PubMed 20583297 (cited by Labcorp Genetics (formerly Invitae), Labcorp); PubMed 20839240 (cited by Labcorp Genetics (formerly Invitae), Labcorp); PubMed 23919265 (cited by Labcorp Genetics (formerly Invitae), Labcorp); PubMed 28818389 (cited by Labcorp Genetics (formerly Invitae), Labcorp).

NM_000540.3(RYR1):c.7324-1G>T

Gene: RYR1 (ryanodine receptor 1; plus strand). Cytogenetic location: 19q13.2.
Variant type: single nucleotide variant.
Coding change: c.7324-1G>T on transcript NM_000540.3 (MANE Select); the canonical splice acceptor site of the intron before coding-DNA position 7324, G replaced by T.
Molecular consequence: splice acceptor variant.
Genome position (GRCh38, 1-based): chr19:38,500,605, G>T. VCF-style: chr19-38500605-G-T. GRCh37 (hg19) VCF-style: chr19-38991245-G-T.
Other names: c.7324-1G>T (NM_001042723.2).
Identifiers: ClinVar variation 133200 (VCV000133200.6), dbSNP rs193922814, ClinGen allele CA024767.